The following is an entry in ClinVar:

NM_145725.3(TRAF3):c.449G>A (p.Arg150His)

Gene: TRAF3 (TNF receptor associated factor 3; plus strand). Cytogenetic location: 14q32.32.
Variant type: single nucleotide variant.
Coding change: c.449G>A on transcript NM_145725.3 (MANE Select); coding-DNA position 449, G replaced by A.
Protein change: p.Arg150His; replaces arginine 150 with histidine.
Molecular consequence: missense variant.
Genome position (GRCh38, 1-based): chr14:102,876,404, G>A. VCF-style: chr14-102876404-G-A. GRCh37 (hg19) VCF-style: chr14-103342741-G-A.
Other names: c.449G>A, p.Arg150His (NM_001199427.2, NM_001385142.1, NM_001385143.1 and 2 more transcripts); short protein forms R150H.
Identifiers: ClinVar variation 252788 (VCV000252788.15), dbSNP rs141920055, ClinGen allele CA7359269.

ClinVar aggregate classification (germline): Conflicting classifications of pathogenicity. Review status: criteria provided, conflicting classifications (1 of 4 stars). 3 submissions from 3 submitters: Uncertain significance (1); Benign (1). 1 of the submissions does not count toward it. Last evaluated 2026-01-03.

Conditions:
TRAF3-related disorder. Also called: TRAF3 related condition.
Immunodeficiency 132A. Also called: Herpes simplex encephalitis, susceptibility to, 3. Identifiers: Orphanet 1930, MedGen C3553868, MONDO:0013920, OMIM 614849.

Allele frequency attached by ClinVar (database versions not stated): gnomAD exomes 0.00036 and 0.00070; ESP Exome Variant Server 0.00062; ExAC 0.00064; TOPMed 0.00068; gnomAD 0.00079; 1000 Genomes Project 30x 0.00094; 1000 Genomes Project 0.00100.
gnomAD v4.1: 671 of 1,614,152 alleles (0.042%); highest among the groups gnomAD compares: African/African-American, 0.13%; 4 homozygotes.

Submissions (3):

Labcorp Genetics (formerly Invitae), Labcorp
Classification: Benign for Immunodeficiency 132A. Last evaluated: 2026-01-03. Review status: criteria provided, single submitter. Criteria: Invitae Variant Classification Sherloc (09022015). Collection method: clinical testing. Allele origin: germline.

Genomic Diagnostic Laboratory, Division of Genomic Diagnostics, Children's Hospital of Philadelphia
Classification: Uncertain significance. Last evaluated: 2015-07-30. Review status: criteria provided, single submitter. Criteria: DGD Variant Analysis Guidelines. Collection method: clinical testing. Allele origin: unknown.

PreventionGenetics, part of Exact Sciences
Classification: Benign for TRAF3-related condition. Last evaluated: 2019-06-05. Review status: no assertion criteria provided. Collection method: clinical testing. Allele origin: germline. Not counted in ClinVar's aggregate classification.
Comment: This variant is classified as benign based on ACMG/AMP sequence variant interpretation guidelines (Richards et al. 2015 PMID: 25741868, with internal and published modifications).